The following is an entry in ClinVar:

NM_004612.4(TGFBR1):c.939T>C (p.Leu313=)

Gene: TGFBR1 (transforming growth factor beta receptor 1; plus strand). Cytogenetic location: 9q22.33.
Variant type: single nucleotide variant.
Coding change: c.939T>C on transcript NM_004612.4 (MANE Select); coding-DNA position 939, T replaced by C.
Protein change: p.Leu313=; no amino-acid change (leucine 313 retained).
Molecular consequence: synonymous variant. On other transcripts: non-coding transcript variant (4), intron variant (2).
Genome position (GRCh38, 1-based): chr9:99,142,669, T>C. VCF-style: chr9-99142669-T-C. GRCh37 (hg19) VCF-style: chr9-101904951-T-C.
Other names: c.708T>C, p.Leu236= (NM_001130916.3, NM_001407435.1); c.951T>C, p.Leu317= (NM_001306210.2); c.744T>C, p.Leu248= (NM_001407418.1, NM_001407419.1, NM_001407420.1 and 1 more transcripts); c.732T>C, p.Leu244= (NM_001407423.1, NM_001407424.1, NM_001407425.1 and 8 more transcripts); c.693T>C, p.Leu231= (NM_001407436.1); c.231T>C, p.Leu77= (NM_001407437.1); c.462T>C, p.Leu154= (NM_001407438.1); c.818-2063T>C (NM_001407416.1); and 1 more.
Identifiers: ClinVar variation 3069348 (VCV003069348.1), dbSNP rs2490224610, ClinGen allele CA466434517.
Genomic context (GRCh38, chr9:99,142,669, plus strand): 5'-CAGATACACAGTTACTGTGGAAGGAATGATAAAACTTGCTCTGTCCACGGCGAGCGGTCT[T>C]GCCCATCTTCACATGGAGATTGTTGGTACCCAAGGTAATTCTATAAGCAGTTCTATTATT-3'
Protein context (NP_004603.1, residues 303-323): IKLALSTASG[Leu313=]AHLHMEIVGT

ClinVar aggregate classification (germline): Likely benign (1 of 4 stars; one submission).

Conditions:
Loeys-Dietz syndrome (LDS). Identifiers: Orphanet 60030, MedGen C2697932, MONDO:0018954.

Allele frequency attached by ClinVar (database versions not stated): gnomAD exomes below 0.00001.
gnomAD v4.1: 1 of 1,614,128 alleles (0.000062%); highest among the groups gnomAD compares: Non-Finnish European, 0.000085%; no homozygotes.

Submission:

All of Us Research Program, National Institutes of Health
Classification: Likely benign for Loeys-Dietz syndrome. Last evaluated: 2022-12-27. Review status: criteria provided, single submitter. Criteria: ACMG Guidelines, 2015. Collection method: clinical testing. Allele origin: germline. Inheritance: Autosomal dominant inheritance. Observed: 1 variant allele, 1 heterozygote.
Comment: This study involves interpretation of variants in research participants for the purpose of population health screening. Participant phenotype was not available at the time of variant classification. Additional details can be found in publication PMID: 35346344, PMCID: PMC8962531